The following is an entry in ClinVar:

NM_001267550.2(TTN):c.70699dup (p.Tyr23567fs)

Genes: TTN (titin; minus strand), TTN-AS1 (TTN antisense RNA 1; plus strand). Cytogenetic location: 2q31.2.
Variant type: Duplication.
Coding change: c.70699dup on transcript NM_001267550.2 (MANE Select); coding-DNA position 70699, one base duplicated (T; older notation c.70699dupT).
Protein change: p.Tyr23567fs; shifts the reading frame from tyrosine 23567.
Molecular consequence: frameshift variant.
Genome position (GRCh38, 1-based): chr2:178,575,433, A duplicated on the plus strand (T on the coding strand, the reverse complement: TTN is on the minus strand). VCF-style (leftmost placement, unchanged base first): chr2-178575432-T-TA. GRCh37 (hg19) VCF-style: chr2-179440159-T-TA.
Other names: c.65776dup, p.Tyr21926fs (NM_001256850.1); c.43504dup, p.Tyr14502fs (NM_003319.4); c.62995dup, p.Tyr20999fs (NM_133378.4); c.43879dup, p.Tyr14627fs (NM_133432.3); c.44080dup, p.Tyr14694fs (NM_133437.4); c.43504dupT (NM_003319.4); short protein forms Y14502fs, Y14627fs, Y21926fs, Y14694fs, Y20999fs, Y23567fs.
Identifiers: ClinVar variation 1739932 (VCV001739932.2), dbSNP rs2468678417, ClinGen allele CA2580064929.

ClinVar aggregate classification (germline): Likely pathogenic (1 of 4 stars; one submission).

Conditions:
Cardiovascular phenotype. Identifiers: MedGen CN230736.

Submission:

Ambry Genetics
Classification: Likely pathogenic for Cardiovascular phenotype. Last evaluated: 2020-01-06. Review status: criteria provided, single submitter. Criteria: Ambry Variant Classification Scheme 2023. Collection method: clinical testing. Allele origin: germline.
Comment: The c.43504dupT variant, located in coding exon 153 of the TTN gene, results from a duplication of T at nucleotide position 43504, causing a translational frameshift with a predicted alternate stop codon (p.Y14502Lfs*4). This exon is located in the A-band region of the N2-B isoform of the titin protein and is constitutively expressed in TTN transcripts (percent spliced in or PSI 100%). This alteration is expected to result in loss of function by premature protein truncation or nonsense-mediated mRNA decay. While truncating variants in TTN are present in 1-3% of the general population, truncating variants in the A-band are the most common cause of dilated cardiomyopathy (DCM) (Herman DS et al. N. Engl. J. Med., 2012 Feb;366:619-28; Roberts AM et al. Sci Transl Med, 2015 Jan;7:270ra6). TTN truncating variants encoded in constitutive exons (PSI >90%) have been found to be significantly associated with DCM regardless of their position in titin (Schafer S et al. Nat. Genet., 2017 01;49:46-53). As such, this alteration is classified as likely pathogenic.